The following is an entry in ClinVar:

ClinVar aggregate classification (germline): Conflicting classifications of pathogenicity. Review status: criteria provided, conflicting classifications (1 of 4 stars). 2 submissions from 2 submitters: Uncertain significance (1); Likely benign (1). Last evaluated 2023-06-26.

Allele frequency attached by ClinVar (database versions not stated): ExAC 0.00006; ESP Exome Variant Server 0.00008; gnomAD 0.00017; TOPMed 0.00018.
gnomAD v4.1: 103 of 1,598,532 alleles (0.0064%); highest among the groups gnomAD compares: African/African-American, 0.054%; no homozygotes.

Submissions (2):

Blueprint Genetics
Classification: Likely benign. Last evaluated: 2023-06-26. Review status: criteria provided, single submitter. Criteria: ACMG Guidelines, 2015. Collection method: clinical testing. Allele origin: germline.

Labcorp Genetics (formerly Invitae), Labcorp
Classification: Uncertain significance. Last evaluated: 2022-07-15. Review status: criteria provided, single submitter. Criteria: Invitae Variant Classification Sherloc (09022015). Collection method: clinical testing. Allele origin: germline.
Comment: This sequence change replaces isoleucine, which is neutral and non-polar, with valine, which is neutral and non-polar, at codon 261 of the LAMA1 protein (p.Ile261Val). This variant is present in population databases (rs370249044, gnomAD 0.07%). This variant has not been reported in the literature in individuals affected with LAMA1-related conditions. Algorithms developed to predict the effect of missense changes on protein structure and function output the following: SIFT: "Tolerated"; PolyPhen-2: "Benign"; Align-GVGD: "Class C0". The valine amino acid residue is found in multiple mammalian species, which suggests that this missense change does not adversely affect protein function. Algorithms developed to predict the effect of sequence changes on RNA splicing suggest that this variant may create or strengthen a splice site. In summary, the available evidence is currently insufficient to determine the role of this variant in disease. Therefore, it has been classified as a Variant of Uncertain Significance.

NM_005559.4(LAMA1):c.781A>G (p.Ile261Val)

Gene: LAMA1 (laminin subunit alpha 1; minus strand). Cytogenetic location: 18p11.31.
Variant type: single nucleotide variant.
Coding change: c.781A>G on transcript NM_005559.4 (MANE Select); coding-DNA position 781, A replaced by G.
Protein change: p.Ile261Val; replaces isoleucine 261 with valine.
Molecular consequence: missense variant.
Genome position (GRCh38, 1-based): chr18:7,046,355, T>C on the plus strand (A>G on the coding strand, the complement: LAMA1 is on the minus strand). VCF-style: chr18-7046355-T-C. GRCh37 (hg19) VCF-style: chr18-7046354-T-C.
Other names: short protein forms I261V.
Identifiers: ClinVar variation 2200004 (VCV002200004.2), dbSNP rs370249044, ClinGen allele CA8883186.